The following is an entry in ClinVar:

ClinVar aggregate classification (germline): Likely benign. Review status: criteria provided, multiple submitters, no conflicts (2 of 4 stars). 4 submissions from 4 submitters: Likely benign (4). Last evaluated 2026-07-22.

Conditions:
GRHL2-related disorder. Also called: GRHL2-related condition; GRHL2-related disorders.

Allele frequency attached by ClinVar (database versions not stated): ExAC 0.00001; gnomAD 0.00001; gnomAD exomes 0.00001; TOPMed 0.00001.
gnomAD v4.1: 23 of 1,614,024 alleles (0.0014%); highest among the groups gnomAD compares: African/African-American, 0.013%; no homozygotes.

Submissions (4):

PreventionGenetics, part of Exact Sciences
Classification: Likely benign for GRHL2-related condition. Last evaluated: 2026-07-22. Review status: criteria provided, single submitter. Criteria: ACMG Guidelines, 2015. Collection method: clinical testing. Allele origin: germline.
Comment: This variant is classified as likely benign based on ACMG/AMP sequence variant interpretation guidelines (Richards et al. 2015 PMID: 25741868, with internal and published modifications).

Blueprint Genetics
Classification: Likely benign. Last evaluated: 2024-09-23. Review status: criteria provided, single submitter. Criteria: ACMG Guidelines, 2015. Collection method: clinical testing. Allele origin: germline.

Labcorp Genetics (formerly Invitae), Labcorp
Classification: Likely benign. Last evaluated: 2024-02-21. Review status: criteria provided, single submitter. Criteria: Invitae Variant Classification Sherloc (09022015). Collection method: clinical testing. Allele origin: germline.

GeneDx
Classification: Likely benign. Last evaluated: 2019-12-17. Review status: criteria provided, single submitter. Criteria: GeneDx Variant Classification Process June 2021. Collection method: clinical testing. Allele origin: germline. Affected: yes.

NM_024915.4(GRHL2):c.417C>T (p.Tyr139=)

Gene: GRHL2 (grainyhead like transcription factor 2; plus strand). Cytogenetic location: 8q22.3.
Variant type: single nucleotide variant.
Coding change: c.417C>T on transcript NM_024915.4 (MANE Select); coding-DNA position 417, C replaced by T.
Protein change: p.Tyr139=; no amino-acid change (tyrosine 139 retained).
Molecular consequence: synonymous variant.
Genome position (GRCh38, 1-based): chr8:101,558,551, C>T. VCF-style: chr8-101558551-C-T. GRCh37 (hg19) VCF-style: chr8-102570779-C-T.
Other names: c.369C>T, p.Tyr123= (NM_001330593.2).
Identifiers: ClinVar variation 681159 (VCV000681159.7), dbSNP rs768143303, ClinGen allele CA4830296.